The following is an entry in ClinVar:

ClinVar aggregate classification (germline): Uncertain significance (1 of 4 stars; one submission).

Conditions:
Hyperkalemic periodic paralysis. Also called: Familial hyperkalemic periodic paralysis; Gamstorp disease. Identifiers: Orphanet 682, MedGen C0238357, MONDO:0008224, OMIM 170500, HP:0007215.

Allele frequency attached by ClinVar (database versions not stated): TOPMed below 0.00001; gnomAD 0.00001.

Submission:

Labcorp Genetics (formerly Invitae), Labcorp
Classification: Uncertain significance for Hyperkalemic periodic paralysis. Last evaluated: 2023-02-23. Review status: criteria provided, single submitter. Criteria: Invitae Variant Classification Sherloc (09022015). Collection method: clinical testing. Allele origin: germline.
Comment: In summary, the available evidence is currently insufficient to determine the role of this variant in disease. Therefore, it has been classified as a Variant of Uncertain Significance. Advanced modeling of protein sequence and biophysical properties (such as structural, functional, and spatial information, amino acid conservation, physicochemical variation, residue mobility, and thermodynamic stability) performed at Invitae indicates that this missense variant is expected to disrupt SCN4A protein function. This variant has not been reported in the literature in individuals affected with SCN4A-related conditions. This variant is present in population databases (no rsID available, gnomAD 0.01%). This sequence change replaces alanine, which is neutral and non-polar, with threonine, which is neutral and polar, at codon 825 of the SCN4A protein (p.Ala825Thr).

NM_000334.4(SCN4A):c.2473G>A (p.Ala825Thr)

Genes: GH-LCR (growth hormone locus control region; plus strand), SCN4A (sodium voltage-gated channel alpha subunit 4; minus strand). Cytogenetic location: 17q23.3.
Variant type: single nucleotide variant.
Coding change: c.2473G>A on transcript NM_000334.4 (MANE Select); coding-DNA position 2473, G replaced by A.
Protein change: p.Ala825Thr; replaces alanine 825 with threonine.
Molecular consequence: missense variant.
Genome position (GRCh38, 1-based): chr17:63,951,804, C>T on the plus strand (G>A on the coding strand, the complement: SCN4A is on the minus strand). VCF-style: chr17-63951804-C-T. GRCh37 (hg19) VCF-style: chr17-62029164-C-T.
Other names: short protein forms A825T.
Identifiers: ClinVar variation 2798229 (VCV002798229.3), dbSNP rs1425177807, ClinGen allele CA400627038.